The following is an entry in ClinVar:

NM_020457.3(THAP11):c.223C>G (p.Arg75Gly)

Genes: CENPT (centromere protein T; minus strand), THAP11 (THAP domain containing 11; plus strand). Cytogenetic location: 16q22.1.
Variant type: single nucleotide variant.
Coding change: c.223C>G on transcript NM_020457.3 (MANE Select); coding-DNA position 223, C replaced by G.
Protein change: p.Arg75Gly; replaces arginine 75 with glycine.
Molecular consequence: missense variant. On other transcripts: intron variant (1).
Genome position (GRCh38, 1-based): chr16:67,842,777, C>G. VCF-style: chr16-67842777-C-G. GRCh37 (hg19) VCF-style: chr16-67876680-C-G.
Other names: c.-492+4624G>C (NM_025082.4); short protein forms R75G.
Identifiers: ClinVar variation 4744733 (VCV004744733.1).

ClinVar aggregate classification (germline): Uncertain significance (1 of 4 stars; one submission).

Submission:

Labcorp Genetics (formerly Invitae), Labcorp
Classification: Uncertain significance. Last evaluated: 2025-12-01. Review status: criteria provided, single submitter. Criteria: Invitae Variant Classification Sherloc (09022015). Collection method: clinical testing. Allele origin: germline.
Comment: This sequence change replaces arginine, which is basic and polar, with glycine, which is neutral and non-polar, at codon 75 of the THAP11 protein (p.Arg75Gly). This variant is not present in population databases (gnomAD no frequency). This variant has not been reported in the literature in individuals affected with THAP11-related conditions. Invitae Evidence Modeling of protein sequence and biophysical properties (such as structural, functional, and spatial information, amino acid conservation, physicochemical variation, residue mobility, and thermodynamic stability) indicates that this missense variant is not expected to disrupt THAP11 protein function with a negative predictive value of 80%. In summary, the available evidence is currently insufficient to determine the role of this variant in disease. Therefore, it has been classified as a Variant of Uncertain Significance.